The following is an entry in ClinVar:

ClinVar aggregate classification (germline): Uncertain significance (1 of 4 stars; one submission).

Allele frequency attached by ClinVar (database versions not stated): gnomAD exomes below 0.00001.
gnomAD v4.1: 1 of 1,585,448 alleles (0.000063%); highest among the groups gnomAD compares: Middle Eastern, 0.017%; no homozygotes.

Submission:

Labcorp Genetics (formerly Invitae), Labcorp
Classification: Uncertain significance. Last evaluated: 2023-01-09. Review status: criteria provided, single submitter. Criteria: Invitae Variant Classification Sherloc (09022015). Collection method: clinical testing. Allele origin: germline.
Comment: This sequence change replaces threonine, which is neutral and polar, with alanine, which is neutral and non-polar, at codon 326 of the TBC1D32 protein (p.Thr326Ala). This variant is not present in population databases (gnomAD no frequency). This variant has not been reported in the literature in individuals affected with TBC1D32-related conditions. Algorithms developed to predict the effect of missense changes on protein structure and function (SIFT, PolyPhen-2, Align-GVGD) all suggest that this variant is likely to be tolerated. In summary, the available evidence is currently insufficient to determine the role of this variant in disease. Therefore, it has been classified as a Variant of Uncertain Significance.

NM_152730.6(TBC1D32):c.976A>G (p.Thr326Ala)

Gene: TBC1D32 (TBC1 domain family member 32; minus strand). Cytogenetic location: 6q22.31.
Variant type: single nucleotide variant.
Coding change: c.976A>G on transcript NM_152730.6 (MANE Select); coding-DNA position 976, A replaced by G.
Protein change: p.Thr326Ala; replaces threonine 326 with alanine.
Molecular consequence: missense variant. On other transcripts: non-coding transcript variant (1).
Genome position (GRCh38, 1-based): chr6:121,303,721, T>C on the plus strand (A>G on the coding strand, the complement: TBC1D32 is on the minus strand). VCF-style: chr6-121303721-T-C. GRCh37 (hg19) VCF-style: chr6-121624867-T-C.
Other names: c.976A>G, p.Thr326Ala (NM_001367759.1, NM_001367760.1); short protein forms T326A.
Identifiers: ClinVar variation 3021327 (VCV003021327.3), dbSNP rs2536380817, ClinGen allele CA365475932.
Genomic context (GRCh38, chr6:121,303,721, plus strand): 5'-AAAAGTAGATCGGATCCAAAATCTTTTGTGAGACAACATGGCTTTGATTATGTTTAACTG[T>C]TAACAAGGACAAAGTACTCTCCACAATTTCTTCCATATACCTTAAAGTTTGGGAAAAAAG-3'
Protein context (NP_689943.4, residues 316-336): EIVESTLSLL[Thr326Ala]VKHNQSHVVS